The following is an entry in ClinVar:

ClinVar aggregate classification (germline): Uncertain significance. Review status: criteria provided, multiple submitters, no conflicts (2 of 4 stars). 3 submissions from 3 submitters: Uncertain significance (3). Last evaluated 2025-02-07.

Conditions:
Inborn genetic diseases. Identifiers: MedGen C0950123, MeSH D030342.

Allele frequency attached by ClinVar (database versions not stated): gnomAD exomes below 0.00001; TOPMed below 0.00001; gnomAD 0.00001.
gnomAD v4.1: 8 of 1,614,028 alleles (0.0005%); highest among the groups gnomAD compares: Non-Finnish European, 0.00068%; no homozygotes.

Submissions (3):

Ambry Genetics
Classification: Uncertain significance for Inborn genetic diseases. Last evaluated: 2025-02-07. Review status: criteria provided, single submitter. Criteria: Ambry Variant Classification Scheme 2023. Collection method: clinical testing. Allele origin: germline.

Blueprint Genetics
Classification: Uncertain significance. Last evaluated: 2023-12-29. Review status: criteria provided, single submitter. Criteria: ACMG Guidelines, 2015. Collection method: clinical testing. Allele origin: germline.

Labcorp Genetics (formerly Invitae), Labcorp
Classification: Uncertain significance. Last evaluated: 2023-06-09. Review status: criteria provided, single submitter. Criteria: Invitae Variant Classification Sherloc (09022015). Collection method: clinical testing. Allele origin: germline.
Comment: In summary, the available evidence is currently insufficient to determine the role of this variant in disease. Therefore, it has been classified as a Variant of Uncertain Significance. Advanced modeling of protein sequence and biophysical properties (such as structural, functional, and spatial information, amino acid conservation, physicochemical variation, residue mobility, and thermodynamic stability) performed at Invitae indicates that this missense variant is expected to disrupt ABCA4 protein function. This variant has not been reported in the literature in individuals affected with ABCA4-related conditions. This variant is not present in population databases (gnomAD no frequency). This sequence change replaces glycine, which is neutral and non-polar, with valine, which is neutral and non-polar, at codon 325 of the ABCA4 protein (p.Gly325Val).

NM_000350.3(ABCA4):c.974G>T (p.Gly325Val)

Gene: ABCA4 (ATP binding cassette subfamily A member 4; minus strand). Cytogenetic location: 1p22.1.
Variant type: single nucleotide variant.
Coding change: c.974G>T on transcript NM_000350.3 (MANE Select); coding-DNA position 974, G replaced by T.
Protein change: p.Gly325Val; replaces glycine 325 with valine.
Molecular consequence: missense variant.
Genome position (GRCh38, 1-based): chr1:94,080,603, C>A on the plus strand (G>T on the coding strand, the complement: ABCA4 is on the minus strand). VCF-style: chr1-94080603-C-A. GRCh37 (hg19) VCF-style: chr1-94546159-C-A.
Other names: c.974G>T (NM_000350.2); c.974G>T, p.Gly325Val (NM_001425324.1); short protein forms G325V.
Identifiers: ClinVar variation 2728998 (VCV002728998.5), dbSNP rs1661666368, ClinGen allele CA341284296.